The following is an entry in ClinVar:

NM_001084.5(PLOD3):c.503-9C>T

Gene: PLOD3 (procollagen-lysine,2-oxoglutarate 5-dioxygenase 3; minus strand). Cytogenetic location: 7q22.1.
Variant type: single nucleotide variant.
Coding change: c.503-9C>T on transcript NM_001084.5 (MANE Select); 9 bases into the intron before coding-DNA position 503, C replaced by T.
Molecular consequence: intron variant.
Genome position (GRCh38, 1-based): chr7:101,216,029, G>A on the plus strand (C>T on the coding strand, the complement: PLOD3 is on the minus strand). VCF-style: chr7-101216029-G-A. GRCh37 (hg19) VCF-style: chr7-100859310-G-A.
Identifiers: ClinVar variation 440183 (VCV000440183.18), dbSNP rs368123704, ClinGen allele CA4408166.

ClinVar aggregate classification (germline): Likely benign. Review status: criteria provided, multiple submitters, no conflicts (2 of 4 stars). 3 submissions from 3 submitters: Likely benign (3). Last evaluated 2026-01-15.

Conditions:
PLOD3-related disorder. Also called: PLOD3-related condition.

Allele frequency attached by ClinVar (database versions not stated): ExAC 0.00012; gnomAD exomes 0.00015; TOPMed 0.00016; ESP Exome Variant Server 0.00023.

Submissions (3):

Labcorp Genetics (formerly Invitae), Labcorp
Classification: Likely benign. Last evaluated: 2026-01-15. Review status: criteria provided, single submitter. Criteria: Invitae Variant Classification Sherloc (09022015). Collection method: clinical testing. Allele origin: germline.

PreventionGenetics, part of Exact Sciences
Classification: Likely benign for PLOD3-related condition. Last evaluated: 2025-08-09. Review status: criteria provided, single submitter. Criteria: ACMG Guidelines, 2015. Collection method: clinical testing. Allele origin: germline.
Comment: This variant is classified as likely benign based on ACMG/AMP sequence variant interpretation guidelines (Richards et al. 2015 PMID: 25741868, with internal and published modifications).

ARUP Laboratories, Molecular Genetics and Genomics, ARUP Laboratories
Classification: Likely benign. Last evaluated: 2017-05-29. Review status: criteria provided, single submitter. Criteria: ARUP Molecular Germline Variant Investigation Process. Collection method: clinical testing. Allele origin: germline.